The following is an entry in ClinVar:

NM_000744.7(CHRNA4):c.409C>T (p.His137Tyr)

Gene: CHRNA4 (cholinergic receptor nicotinic alpha 4 subunit; minus strand). Cytogenetic location: 20q13.33.
Variant type: single nucleotide variant.
Coding change: c.409C>T on transcript NM_000744.7 (MANE Select); coding-DNA position 409, C replaced by T.
Protein change: p.His137Tyr; replaces histidine 137 with tyrosine.
Molecular consequence: missense variant. On other transcripts: 5 prime UTR variant (1), non-coding transcript variant (1).
Genome position (GRCh38, 1-based): chr20:63,351,002, G>A on the plus strand (C>T on the coding strand, the complement: CHRNA4 is on the minus strand). VCF-style: chr20-63351002-G-A. GRCh37 (hg19) VCF-style: chr20-61982354-G-A.
Other names: c.-120C>T (NM_001256573.2); short protein forms H137Y.
Identifiers: ClinVar variation 1707788 (VCV001707788.2), dbSNP rs1326365559, ClinGen allele CA409638838.

ClinVar aggregate classification (germline): Uncertain significance (1 of 4 stars; one submission).

Allele frequency attached by ClinVar (database versions not stated): gnomAD 0.00001; gnomAD exomes 0.00001.
gnomAD v4.1: 4 of 1,613,050 alleles (0.00025%); highest among the groups gnomAD compares: Admixed American, 0.0067%; no homozygotes.

Submission:

GeneDx
Classification: Uncertain significance. Last evaluated: 2022-03-24. Review status: criteria provided, single submitter. Criteria: GeneDx Variant Classification Process June 2021. Collection method: clinical testing. Allele origin: germline. Affected: yes.
Comment: Not observed at significant frequency in large population cohorts (gnomAD); In silico analysis supports that this missense variant has a deleterious effect on protein structure/function; Has not been previously published as pathogenic or benign to our knowledge